The following is an entry in ClinVar:

NM_001605.3(AARS1):c.1875A>T (p.Lys625Asn)

Gene: AARS1 (alanyl-tRNA synthetase 1; minus strand). Cytogenetic location: 16q22.1.
Variant type: single nucleotide variant.
Coding change: c.1875A>T on transcript NM_001605.3 (MANE Select); coding-DNA position 1875, A replaced by T.
Protein change: p.Lys625Asn; replaces lysine 625 with asparagine.
Molecular consequence: missense variant.
Genome position (GRCh38, 1-based): chr16:70,259,097, T>A on the plus strand (A>T on the coding strand, the complement: AARS1 is on the minus strand). VCF-style: chr16-70259097-T-A. GRCh37 (hg19) VCF-style: chr16-70293000-T-A.
Other names: short protein forms K625N.
Identifiers: ClinVar variation 2831188 (VCV002831188.3), dbSNP rs2506997977, ClinGen allele CA396558137.
Genomic context (GRCh38, chr16:70,259,097, plus strand): 5'-GGACATGGCTCCCTTGGCAGTAAAGTCAAATCTGAGGCGGTCAGGAGCAACCAATGAGCC[T>A]TTCTGGTCAGCTTCCCCAAGCACTGAGCGCAGGGCGAAGTTCAGAATGTGCGTAGCTGTG-3'
Protein context (NP_001596.2, residues 615-635): LRSVLGEADQ[Lys625Asn]GSLVAPDRLR

ClinVar aggregate classification (germline): Uncertain significance (1 of 4 stars; one submission).

Conditions:
Charcot-Marie-Tooth disease type 2. Also called: Charcot-Marie-Tooth type 2. Identifiers: Orphanet 64746, MedGen C0270914, MONDO:0018993.

Submission:

Labcorp Genetics (formerly Invitae), Labcorp
Classification: Uncertain significance for Charcot-Marie-Tooth disease type 2. Last evaluated: 2023-01-22. Review status: criteria provided, single submitter. Criteria: Invitae Variant Classification Sherloc (09022015). Collection method: clinical testing. Allele origin: germline.
Comment: In summary, the available evidence is currently insufficient to determine the role of this variant in disease. Therefore, it has been classified as a Variant of Uncertain Significance. Advanced modeling of protein sequence and biophysical properties (such as structural, functional, and spatial information, amino acid conservation, physicochemical variation, residue mobility, and thermodynamic stability) has been performed at Invitae for this missense variant, however the output from this modeling did not meet the statistical confidence thresholds required to predict the impact of this variant on AARS protein function. This variant has not been reported in the literature in individuals affected with AARS-related conditions. This variant is not present in population databases (gnomAD no frequency). This sequence change replaces lysine, which is basic and polar, with asparagine, which is neutral and polar, at codon 625 of the AARS protein (p.Lys625Asn).